The following is an entry in ClinVar:

ClinVar aggregate classification (germline): Benign. Review status: criteria provided, multiple submitters, no conflicts (2 of 4 stars). 9 submissions from 9 submitters: Benign (6). 3 of the submissions do not count toward it. Last evaluated 2026-05-08.

Allele frequency attached by ClinVar (database versions not stated): ESP Exome Variant Server 0.27227; TOPMed 0.31151; 1000 Genomes Project 30x 0.39647; 1000 Genomes Project 0.40156.
gnomAD v4.1: 403,779 of 1,593,676 alleles (25%); highest among the groups gnomAD compares: East Asian, 72%; 58,959 homozygotes.

Submissions (9):

Women's Health and Genetics/Laboratory Corporation of America, LabCorp
Classification: Benign. Last evaluated: 2026-05-08. Review status: criteria provided, single submitter. Criteria: LabCorp Variant Classification Summary - May 2015. Collection method: clinical testing. Allele origin: germline.

Labcorp Genetics (formerly Invitae), Labcorp
Classification: Benign. Last evaluated: 2026-02-04. Review status: criteria provided, single submitter. Criteria: Invitae Variant Classification Sherloc (09022015). Collection method: clinical testing. Allele origin: germline.

Blueprint Genetics
Classification: Benign. Last evaluated: 2024-11-26. Review status: criteria provided, single submitter. Criteria: ACMG Guidelines, 2015. Collection method: clinical testing. Allele origin: germline.

GeneDx
Classification: Benign. Last evaluated: 2016-09-29. Review status: criteria provided, single submitter. Criteria: GeneDx Variant Classification (06012015). Collection method: clinical testing. Allele origin: germline. Affected: yes.
Comment: This variant is considered likely benign or benign based on one or more of the following criteria: it is a conservative change, it occurs at a poorly conserved position in the protein, it is predicted to be benign by multiple in silico algorithms, and/or has population frequency not consistent with disease.

Breakthrough Genomics
Classification: Benign. Review status: criteria provided, single submitter. Criteria: ACMG Guidelines, 2015. Collection method: not provided. Allele origin: germline. Inheritance: Autosomal recessive inheritance. Affected: yes.

PreventionGenetics, part of Exact Sciences
Classification: Benign. Review status: criteria provided, single submitter. Criteria: ACMG Guidelines, 2015. Collection method: clinical testing. Allele origin: germline.

Clinical Genetics DNA and cytogenetics Diagnostics Lab, Erasmus MC, Erasmus Medical Center
Classification: Benign. Review status: no assertion criteria provided. Collection method: clinical testing. Allele origin: germline. Affected: yes. Study: VKGL Data-share Consensus. Not counted in ClinVar's aggregate classification.

Genome Diagnostics Laboratory, Amsterdam University Medical Center
Classification: Benign. Review status: no assertion criteria provided. Collection method: clinical testing. Allele origin: germline. Affected: yes. Study: VKGL Data-share Consensus. Not counted in ClinVar's aggregate classification.

Joint Genome Diagnostic Labs from Nijmegen and Maastricht, Radboudumc and MUMC+
Classification: Benign. Review status: no assertion criteria provided. Collection method: clinical testing. Allele origin: germline. Affected: yes. Study: VKGL Data-share Consensus. Not counted in ClinVar's aggregate classification.

NM_001852.4(COL9A2):c.364-16A>C

Gene: COL9A2 (collagen type IX alpha 2 chain; minus strand). Cytogenetic location: 1p34.2.
Variant type: single nucleotide variant.
Coding change: c.364-16A>C on transcript NM_001852.4 (MANE Select); 16 bases into the intron before coding-DNA position 364, A replaced by C.
Molecular consequence: intron variant.
Genome position (GRCh38, 1-based): chr1:40,312,128, T>G on the plus strand (A>C on the coding strand, the complement: COL9A2 is on the minus strand). VCF-style: chr1-40312128-T-G. GRCh37 (hg19) VCF-style: chr1-40777800-T-G.
Identifiers: ClinVar variation 258387 (VCV000258387.16), dbSNP rs1979785, ClinGen allele CA791967.